The following is an entry in ClinVar:

NM_002335.4(LRP5):c.2489C>T (p.Ser830Leu)

Gene: LRP5 (LDL receptor related protein 5; plus strand). Cytogenetic location: 11q13.2.
Variant type: single nucleotide variant.
Coding change: c.2489C>T on transcript NM_002335.4 (MANE Select); coding-DNA position 2489, C replaced by T.
Protein change: p.Ser830Leu; replaces serine 830 with leucine.
Molecular consequence: missense variant.
Genome position (GRCh38, 1-based): chr11:68,411,606, C>T. VCF-style: chr11-68411606-C-T. GRCh37 (hg19) VCF-style: chr11-68179074-C-T.
Other names: c.2489C>T (NM_002335.3); c.746C>T, p.Ser249Leu (NM_001291902.2); short protein forms S830L, S249L.
Identifiers: ClinVar variation 2957211 (VCV002957211.6), dbSNP rs1226369900, ClinGen allele CA381617333.

ClinVar aggregate classification (germline): Uncertain significance. Review status: criteria provided, multiple submitters, no conflicts (2 of 4 stars). 3 submissions from 3 submitters: Uncertain significance (2). 1 of the submissions does not count toward it. Last evaluated 2025-06-26.

Conditions:
LRP5-related disorder. Also called: LRP5-related condition.

Submissions (3):

Labcorp Genetics (formerly Invitae), Labcorp
Classification: Uncertain significance. Last evaluated: 2025-06-26. Review status: criteria provided, single submitter. Criteria: Invitae Variant Classification Sherloc (09022015). Collection method: clinical testing. Allele origin: germline.
Comment: This sequence change replaces serine, which is neutral and polar, with leucine, which is neutral and non-polar, at codon 830 of the LRP5 protein (p.Ser830Leu). This variant is present in population databases (no rsID available, gnomAD 0.003%). This variant has not been reported in the literature in individuals affected with LRP5-related conditions. ClinVar contains an entry for this variant (Variation ID: 2957211). Invitae Evidence Modeling of protein sequence and biophysical properties (such as structural, functional, and spatial information, amino acid conservation, physicochemical variation, residue mobility, and thermodynamic stability) has been performed for this missense variant. However, the output from this modeling did not meet the statistical confidence thresholds required to predict the impact of this variant on LRP5 protein function. In summary, the available evidence is currently insufficient to determine the role of this variant in disease. Therefore, it has been classified as a Variant of Uncertain Significance.

Blueprint Genetics
Classification: Uncertain significance. Last evaluated: 2024-02-21. Review status: criteria provided, single submitter. Criteria: ACMG Guidelines, 2015. Collection method: clinical testing. Allele origin: germline.

PreventionGenetics, part of Exact Sciences
Classification: Uncertain significance for LRP5-related condition. Last evaluated: 2023-11-29. Review status: no assertion criteria provided. Collection method: clinical testing. Allele origin: germline. Not counted in ClinVar's aggregate classification.
Comment: The LRP5 c.2489C>T variant is predicted to result in the amino acid substitution p.Ser830Leu. This variant has been reported in the heterozygous state without a second LRP5 variant in an individual with retinal dystrophy (Table S1, Tiwari et al. 2016. PubMed ID: 27353947). An alternate substitution of this amino acid (p.Ser830Pro) has been reported in the compound heterozygous state in an individual with familial exudative vitreoretinopathy (Tao et al. 2021. PubMed ID: 34860240). This variant is reported in 0.0027% of alleles in individuals of European (Non-Finnish) descent in gnomAD. Although we suspect that this variant may be pathogenic, at this time, the clinical significance of this variant is uncertain due to the absence of conclusive functional and genetic evidence.